The following is an entry in ClinVar:

NM_000368.5(TSC1):c.913+2T>G

Gene: TSC1 (TSC complex subunit 1; minus strand). Cytogenetic location: 9q34.13.
Variant type: single nucleotide variant.
Coding change: c.913+2T>G on transcript NM_000368.5 (MANE Select); the canonical splice donor site of the intron after coding-DNA position 913, T replaced by G.
Molecular consequence: splice donor variant.
Genome position (GRCh38, 1-based): chr9:132,912,280, A>C on the plus strand (T>G on the coding strand, the complement: TSC1 is on the minus strand). VCF-style: chr9-132912280-A-C. GRCh37 (hg19) VCF-style: chr9-135787667-A-C.
Other names: c.913+2T>G (NM_001406603.1, NM_001406609.1, NM_001406597.1 and 16 more transcripts); c.550+2T>G (NM_001406619.1, NM_001406622.1, NM_001362177.2 and 10 more transcripts); c.760+2T>G (NM_001406611.1, NM_001162427.2, NM_001406613.1 and 2 more transcripts); c.-39+2T>G (NM_001406628.1, NM_001406626.1, NM_001406627.1); c.-181+2T>G (NM_001406630.1, NM_001406629.1).
Identifiers: ClinVar variation 2702195 (VCV002702195.3), dbSNP rs2538885807, ClinGen allele CA375368962.
Genomic context (GRCh38, chr9:132,912,280, plus strand): 5'-GACAAATAATGTTTTCCAGAGACAAAGTTGCAAAACAGATAAGTACCAAAGACACTTTTT[A>C]CCATAGCTATTCTGTGTGTCAGCATAAGGGCTGGTGGTGACATCGGCTGAACGATGAGGA-3'

ClinVar aggregate classification (germline): Pathogenic (1 of 4 stars; one submission).

Conditions:
Tuberous sclerosis 1 (TSC1). Identifiers: Orphanet 805, MedGen C1854465, MONDO:0008612, OMIM 191100.

Submission:

Labcorp Genetics (formerly Invitae), Labcorp
Classification: Pathogenic for Tuberous sclerosis 1. Last evaluated: 2023-12-11. Review status: criteria provided, single submitter. Criteria: Invitae Variant Classification Sherloc (09022015). Collection method: clinical testing. Allele origin: germline.
Comment: This sequence change affects a donor splice site in intron 9 of the TSC1 gene. It is expected to disrupt RNA splicing. Variants that disrupt the donor or acceptor splice site typically lead to a loss of protein function (PMID: 16199547), and loss-of-function variants in TSC1 are known to be pathogenic (PMID: 10227394, 17304050). This variant is not present in population databases (gnomAD no frequency). Disruption of this splice site has been observed in individual(s) with tuberous sclerosis complex (PMID: 27859028). In at least one individual the variant was observed to be de novo. Algorithms developed to predict the effect of sequence changes on RNA splicing suggest that this variant may disrupt the consensus splice site. For these reasons, this variant has been classified as Pathogenic.

Literature cited by the submitters: PubMed 16199547; PubMed 10227394; PubMed 17304050; PubMed 27859028.